The following is an entry in ClinVar:

NM_001376.5(DYNC1H1):c.1873G>A (p.Val625Ile)

Gene: DYNC1H1 (dynein cytoplasmic 1 heavy chain 1; plus strand). Cytogenetic location: 14q32.31.
Variant type: single nucleotide variant.
Coding change: c.1873G>A on transcript NM_001376.5 (MANE Select); coding-DNA position 1873, G replaced by A.
Protein change: p.Val625Ile; replaces valine 625 with isoleucine.
Molecular consequence: missense variant.
Genome position (GRCh38, 1-based): chr14:101,986,098, G>A. VCF-style: chr14-101986098-G-A. GRCh37 (hg19) VCF-style: chr14-102452435-G-A.
Other names: short protein forms V625I.
Identifiers: ClinVar variation 2160428 (VCV002160428.4), dbSNP rs1455120229, ClinGen allele CA391019636.
Genomic context (GRCh38, chr14:101,986,098, plus strand): 5'-CAGACCCAGCTGATCCAGCGCGTGAAAGATGACATTGAGTCTCTTCACGACAAGTTCAAG[G>A]TCCAGTACCCACAGAGTCAGGCTTGTAAGATGAGTCACGTTCGTGACTTGCCCCCTGTGT-3'
Protein context (NP_001367.2, residues 615-635): DIESLHDKFK[Val625Ile]QYPQSQACKM

ClinVar aggregate classification (germline): Uncertain significance (1 of 4 stars; one submission).

Conditions:
Charcot-Marie-Tooth disease axonal type 2O. Also called: Charcot-Marie-Tooth Neuropathy Type 2O; Charcot-Marie-Tooth disease, axonal, type 20; CHARCOT-MARIE-TOOTH NEUROPATHY, AXONAL, TYPE 2O; CHARCOT-MARIE-TOOTH DISEASE, AXONAL, AUTOSOMAL DOMINANT, TYPE 2O. Identifiers: Orphanet 284232, MedGen C3280220, MONDO:0013644, OMIM 614228.

Allele frequency attached by ClinVar (database versions not stated): gnomAD exomes below 0.00001.
gnomAD v4.1: 1 of 1,614,228 alleles (0.000062%); highest among the groups gnomAD compares: Non-Finnish European, 0.000085%; no homozygotes.

Submission:

Labcorp Genetics (formerly Invitae), Labcorp
Classification: Uncertain significance for Charcot-Marie-Tooth disease axonal type 2O. Last evaluated: 2022-08-24. Review status: criteria provided, single submitter. Criteria: Invitae Variant Classification Sherloc (09022015). Collection method: clinical testing. Allele origin: germline.
Comment: In summary, the available evidence is currently insufficient to determine the role of this variant in disease. Therefore, it has been classified as a Variant of Uncertain Significance. Advanced modeling of protein sequence and biophysical properties (such as structural, functional, and spatial information, amino acid conservation, physicochemical variation, residue mobility, and thermodynamic stability) performed at Invitae indicates that this missense variant is not expected to disrupt DYNC1H1 protein function. This variant has not been reported in the literature in individuals affected with DYNC1H1-related conditions. This variant is not present in population databases (gnomAD no frequency). This sequence change replaces valine, which is neutral and non-polar, with isoleucine, which is neutral and non-polar, at codon 625 of the DYNC1H1 protein (p.Val625Ile).